The following is an entry in ClinVar:

NM_003680.4(YARS1):c.127G>A (p.Ala43Thr)

Gene: YARS1 (tyrosyl-tRNA synthetase 1; minus strand). Cytogenetic location: 1p35.1.
Variant type: single nucleotide variant.
Coding change: c.127G>A on transcript NM_003680.4 (MANE Select); coding-DNA position 127, G replaced by A.
Protein change: p.Ala43Thr; replaces alanine 43 with threonine.
Molecular consequence: missense variant.
Genome position (GRCh38, 1-based): chr1:32,810,988, C>T on the plus strand (G>A on the coding strand, the complement: YARS1 is on the minus strand). VCF-style: chr1-32810988-C-T. GRCh37 (hg19) VCF-style: chr1-33276589-C-T.
Other names: short protein forms A43T.
Identifiers: ClinVar variation 3730301 (VCV003730301.3).
Genomic context (GRCh38, chr1:32,810,988, plus strand): 5'-AGAAGTCTGCAATCTTTGACATGGGCACAAAGTAAGCCACATGTGGTTTGCCCGTGGTTG[C>T]CGTTCCCCAGTAAATTTTAAGTTCCCGCTCCTTCAGTATCTCCTTCAGCTTCTCTTCCCC-3'
Protein context (NP_003671.1, residues 33-53): ERELKIYWGT[Ala43Thr]TTGKPHVAYF

ClinVar aggregate classification (germline): Uncertain significance. Review status: criteria provided, multiple submitters, no conflicts (2 of 4 stars). 2 submissions from 2 submitters: Uncertain significance (2). Last evaluated 2025-02-07.

Conditions:
Charcot-Marie-Tooth disease dominant intermediate C (CMTDIC). Also called: CHARCOT-MARIE-TOOTH NEUROPATHY, DOMINANT INTERMEDIATE C. Identifiers: Orphanet 100045, MedGen C1842237, MONDO:0012012, OMIM 608323.
Inborn genetic diseases. Identifiers: MedGen C0950123, MeSH D030342.

Submissions (2):

Ambry Genetics
Classification: Uncertain significance for Inborn genetic diseases. Last evaluated: 2025-02-07. Review status: criteria provided, single submitter. Criteria: Ambry Variant Classification Scheme 2023. Collection method: clinical testing. Allele origin: germline.

Labcorp Genetics (formerly Invitae), Labcorp
Classification: Uncertain significance for Charcot-Marie-Tooth disease dominant intermediate C. Last evaluated: 2024-03-25. Review status: criteria provided, single submitter. Criteria: Invitae Variant Classification Sherloc (09022015). Collection method: clinical testing. Allele origin: germline.
Comment: This sequence change replaces alanine, which is neutral and non-polar, with threonine, which is neutral and polar, at codon 43 of the YARS protein (p.Ala43Thr). This variant is present in population databases (rs757735222, gnomAD 0.003%). This variant has not been reported in the literature in individuals affected with YARS-related conditions. Advanced modeling of protein sequence and biophysical properties (such as structural, functional, and spatial information, amino acid conservation, physicochemical variation, residue mobility, and thermodynamic stability) performed at Invitae indicates that this missense variant is expected to disrupt YARS protein function with a positive predictive value of 80%. In summary, the available evidence is currently insufficient to determine the role of this variant in disease. Therefore, it has been classified as a Variant of Uncertain Significance.